The following is an entry in ClinVar:

ClinVar aggregate classification (germline): Uncertain significance (1 of 4 stars; one submission).

gnomAD v4.1: 2 of 1,614,088 alleles (0.00012%); highest among the groups gnomAD compares: Admixed American, 0.0017%; no homozygotes.

Submission:

CeGaT Center for Human Genetics Tuebingen
Classification: Uncertain significance. Last evaluated: 2026-08-01. Review status: criteria provided, single submitter. Criteria: CeGaT Center For Human Genetics Tuebingen Variant Classification Criteria Version 2. Collection method: clinical testing. Allele origin: germline. Affected: yes. Observed: 1 variant allele.
Comment: PTPN14: PM2, PP3

NM_005401.5(PTPN14):c.416T>C (p.Ile139Thr)

Gene: PTPN14 (protein tyrosine phosphatase non-receptor type 14; minus strand). Cytogenetic location: 1q41.
Variant type: single nucleotide variant.
Coding change: c.416T>C on transcript NM_005401.5 (MANE Select); coding-DNA position 416, T replaced by C.
Protein change: p.Ile139Thr; replaces isoleucine 139 with threonine.
Molecular consequence: missense variant.
Genome position (GRCh38, 1-based): chr1:214,414,655, A>G on the plus strand (T>C on the coding strand, the complement: PTPN14 is on the minus strand). VCF-style: chr1-214414655-A-G. GRCh37 (hg19) VCF-style: chr1-214587998-A-G.
Other names: short protein forms I139T.
Identifiers: ClinVar variation 5040552 (VCV005040552.1).
Genomic context (GRCh38, chr1:214,414,655, plus strand): 5'-GGAATTTCACATGCTGCTCATAACTATGTCTTACCTTGCACAGCTAGGCCGGCTAGCCGA[A>G]TCACCTGGTCCAATGTACATCGTAATCGCCCTTCAAGCACATCTTTTTTGACTTGCAGGT-3'
Protein context (NP_005392.2, residues 129-149): GRLRCTLDQV[Ile139Thr]RLAGLAVQAD